The following is an entry in ClinVar:

ClinVar aggregate classification (germline): Uncertain significance (1 of 4 stars; one submission).

Conditions:
Hereditary spastic paraplegia 39 (SPG39). Also called: Spastic Paraplegia Type 39 (SPG39); SPASTIC PARAPLEGIA 39, AUTOSOMAL RECESSIVE. Identifiers: Orphanet 139480, MedGen C2677586, MONDO:0012787, OMIM 612020.

gnomAD v4.1: 4 of 1,614,080 alleles (0.00025%); highest among the groups gnomAD compares: Non-Finnish European, 0.00034%; no homozygotes.

Submission:

Labcorp Genetics (formerly Invitae), Labcorp
Classification: Uncertain significance for Hereditary spastic paraplegia 39. Last evaluated: 2022-03-18. Review status: criteria provided, single submitter. Criteria: Invitae Variant Classification Sherloc (09022015). Collection method: clinical testing. Allele origin: germline.
Comment: This sequence change replaces aspartic acid, which is acidic and polar, with glutamic acid, which is acidic and polar, at codon 809 of the PNPLA6 protein (p.Asp809Glu). This variant is not present in population databases (gnomAD no frequency). This variant has not been reported in the literature in individuals affected with PNPLA6-related conditions. Algorithms developed to predict the effect of missense changes on protein structure and function (SIFT, PolyPhen-2, Align-GVGD) all suggest that this variant is likely to be disruptive. In summary, the available evidence is currently insufficient to determine the role of this variant in disease. Therefore, it has been classified as a Variant of Uncertain Significance.

NM_001166114.2(PNPLA6):c.2541C>G (p.Asp847Glu)

Gene: PNPLA6 (patatin like domain 6, lysophospholipase; plus strand). Cytogenetic location: 19p13.2.
Variant type: single nucleotide variant.
Coding change: c.2541C>G on transcript NM_001166114.2 (MANE Select); coding-DNA position 2541, C replaced by G.
Protein change: p.Asp847Glu; replaces aspartic acid 847 with glutamic acid.
Molecular consequence: missense variant.
Genome position (GRCh38, 1-based): chr19:7,554,630, C>G. VCF-style: chr19-7554630-C-G. GRCh37 (hg19) VCF-style: chr19-7619516-C-G.
Other names: c.2571C>G, p.Asp857Glu (NM_001166111.2); c.2346C>G, p.Asp782Glu (NM_001166112.2); c.2427C>G, p.Asp809Glu (NM_001166113.1, NM_006702.5); short protein forms D857E, D809E, D847E, D782E.
Identifiers: ClinVar variation 2106735 (VCV002106735.1), dbSNP rs771821425, ClinGen allele CA403128753.